The following is an entry in ClinVar:

ClinVar aggregate classification (germline): Likely benign (1 of 4 stars; one submission).

Conditions:
Progressive myoclonic epilepsy type 3. Also called: EPILEPSY, PROGRESSIVE MYOCLONIC, 3, WITH OR WITHOUT INTRACELLULAR INCLUSIONS; CEROID LIPOFUSCINOSIS, NEURONAL, 14; EPILEPSY, PROGRESSIVE MYOCLONIC, 3, WITHOUT INTRACELLULAR INCLUSIONS; KCTD7-Related Progressive Myoclonic Epilepsy. Identifiers: Orphanet 263516, MedGen C2673257, MONDO:0012721, OMIM 611726.

Allele frequency attached by ClinVar (database versions not stated): gnomAD 0.00036 and 0.00037; gnomAD exomes 0.00036; 1000 Genomes Project 30x 0.00047; TOPMed 0.00055; 1000 Genomes Project 0.00060.
gnomAD v4.1: 535 of 1,449,638 alleles (0.037%); highest among the groups gnomAD compares: Middle Eastern, 0.23%; no homozygotes.

Submission:

Illumina Laboratory Services, Illumina
Classification: Likely benign for Progressive myoclonic epilepsy type 3. Last evaluated: 2018-01-13. Review status: criteria provided, single submitter. Criteria: ICSL Variant Classification Criteria 13 December 2019. Collection method: clinical testing. Allele origin: germline.
Comment: This variant was observed in the ICSL laboratory as part of a predisposition screen in an ostensibly healthy population. It had not been previously curated by ICSL or reported in the Human Gene Mutation Database (HGMD: prior to June 1st, 2018), and was therefore a candidate for classification through an automated scoring system. Utilizing variant allele frequency, disease prevalence and penetrance estimates, and inheritance mode, an automated score was calculated to assess if this variant is too frequent to cause the disease. Based on the score and internal cut-off values, a variant classified as likely benign is not then subjected to further curation. The score for this variant resulted in a classification of likely benign for this disease.

NM_153033.5(KCTD7):c.*221G>T

Gene: KCTD7 (potassium channel tetramerization domain containing 7; plus strand). Cytogenetic location: 7q11.21.
Variant type: single nucleotide variant.
Coding change: c.*221G>T on transcript NM_153033.5 (MANE Select); 221 bases downstream of the stop codon, G replaced by T.
Molecular consequence: 3 prime UTR variant. On other transcripts: intron variant (1).
Genome position (GRCh38, 1-based): chr7:66,639,453, G>T. VCF-style: chr7-66639453-G-T. GRCh37 (hg19) VCF-style: chr7-66104440-G-T.
Other names: c.866+225G>T (NM_001167961.2).
Identifiers: ClinVar variation 360591 (VCV000360591.5), dbSNP rs151151235, ClinGen allele CA10626332.
Genomic context (GRCh38, chr7:66,639,453, plus strand): 5'-TCTCCCTGACTGCACCTCAGGGTTGGGCTCAGGGCTTGCGGCCTGCAGGCACTCCAGCCA[G>T]CGCTCACCTGGCCTTTCCTCAAGGCATGGTAGTCTTTCCTTGAGGCTGATAGCTAGGGCT-3'